The following is an entry in ClinVar:

ClinVar aggregate classification (germline): Likely pathogenic (1 of 4 stars; one submission).

Conditions:
Leber congenital amaurosis (LCA). Also called: Leber's amaurosis. Identifiers: Orphanet 65, MedGen C0339527, MeSH D057130, MONDO:0018998.

Submission:

Lab De Baere, Eye and Developmental Genetics Lab, Ghent University
Classification: Likely pathogenic for Leber congenital amaurosis. Last evaluated: 2024-10-01. Review status: criteria provided, single submitter. Criteria: ACMG Guidelines, 2015. Collection method: research. Allele origin: inherited. Affected: yes. Observed: 1 variant allele.
Comment: ACMG/AMP guidelines: PM2, PVS1_PS1, PP1, PM3_PP

NM_000180.4(GUCY2D):c.2263+1G>C

Gene: GUCY2D (guanylate cyclase 2D, retinal; plus strand). Cytogenetic location: 17p13.1.
Variant type: single nucleotide variant.
Coding change: c.2263+1G>C on transcript NM_000180.4 (MANE Select); the canonical splice donor site of the intron after coding-DNA position 2263, G replaced by C.
Molecular consequence: splice donor variant.
Genome position (GRCh38, 1-based): chr17:8,013,253, G>C. VCF-style: chr17-8013253-G-C. GRCh37 (hg19) VCF-style: chr17-7916571-G-C.
Identifiers: ClinVar variation 3544490 (VCV003544490.1).